The following is an entry in ClinVar:

ClinVar aggregate classification (germline): Uncertain significance (0 of 4 stars; one submission).

Conditions:
DCX-related disorder. Also called: DCX-related condition; DCX-Related Disorders. Identifiers: MedGen CN381525.

Submission:

PreventionGenetics, part of Exact Sciences
Classification: Uncertain significance for DCX-related condition. Last evaluated: 2024-07-11. Review status: no assertion criteria provided. Collection method: clinical testing. Allele origin: germline.
Comment: The DCX c.1011A>C variant is predicted to result in the amino acid substitution p.Lys337Asn. To our knowledge, this variant has not been reported in the literature or in a large population database, indicating this variant is rare. At this time, the clinical significance of this variant is uncertain due to the absence of conclusive functional and genetic evidence.

NM_001195553.2(DCX):c.768A>C (p.Lys256Asn)

Gene: DCX (doublecortin; minus strand). Cytogenetic location: Xq23.
Variant type: single nucleotide variant.
Coding change: c.768A>C on transcript NM_001195553.2 (MANE Select); coding-DNA position 768, A replaced by C.
Protein change: p.Lys256Asn; replaces lysine 256 with asparagine.
Molecular consequence: missense variant.
Genome position (GRCh38, 1-based): chrX:111,333,091, T>G on the plus strand (A>C on the coding strand, the complement: DCX is on the minus strand). VCF-style: chrX-111333091-T-G. GRCh37 (hg19) VCF-style: chrX-110576319-T-G.
Other names: c.1011A>C, p.Lys337Asn (NM_000555.3); c.768A>C, p.Lys256Asn (NM_001369370.1, NM_001369371.1, NM_001369372.1 and 6 more transcripts); short protein forms K256N, K337N.
Identifiers: ClinVar variation 3344315 (VCV003344315.1).